The following is an entry in ClinVar:

NM_002207.3(ITGA9):c.545-8C>G

Gene: ITGA9 (integrin subunit alpha 9; plus strand). Cytogenetic location: 3p22.2.
Variant type: single nucleotide variant.
Coding change: c.545-8C>G on transcript NM_002207.3 (MANE Select); 8 bases into the intron before coding-DNA position 545, C replaced by G.
Molecular consequence: intron variant.
Genome position (GRCh38, 1-based): chr3:37,494,493, C>G. VCF-style: chr3-37494493-C-G. GRCh37 (hg19) VCF-style: chr3-37535984-C-G.
Identifiers: ClinVar variation 402987 (VCV000402987.8), dbSNP rs2507940, ClinGen allele CA2310462.

ClinVar aggregate classification (germline): Benign. Review status: criteria provided, multiple submitters, no conflicts (2 of 4 stars). 3 submissions from 3 submitters: Benign (2). 1 of the submissions does not count toward it. Last evaluated 2016-03-28.

Conditions:
ITGA9-related disorder. Also called: ITGA9-related condition.

Allele frequency attached by ClinVar (database versions not stated): ESP Exome Variant Server 0.52045; 1000 Genomes Project 30x 0.53201; 1000 Genomes Project 0.53275; TOPMed 0.54305; gnomAD 0.52714 and 0.52822; gnomAD exomes 0.56904 and 0.57495; ExAC 0.57251.
gnomAD v4.1: 909,828 of 1,596,584 alleles (57%); highest among the groups gnomAD compares: East Asian, 78%; 265,531 homozygotes.

Submissions (5):

Laboratory for Molecular Medicine, Mass General Brigham Personalized Medicine
Classification: Benign. Last evaluated: 2016-03-28. Review status: criteria provided, single submitter. Criteria: LMM Criteria. Collection method: clinical testing. Allele origin: germline.
Comment: Variant identified in a genome or exome case(s) and assessed due to predicted null impact of the variant or pathogenic assertions in the literature or databases. Disclaimer: This variant has not undergone full assessment. The following are preliminary notes: 57% of total chromosomes in ExAC

Breakthrough Genomics
Classification: Benign. Review status: criteria provided, single submitter. Criteria: ACMG Guidelines, 2015. Collection method: not provided. Allele origin: germline. Inheritance: Unknown mechanism. Affected: yes.

PreventionGenetics, part of Exact Sciences
Classification: Benign for ITGA9-related condition. Last evaluated: 2019-08-02. Review status: no assertion criteria provided. Collection method: clinical testing. Allele origin: germline. Not counted in ClinVar's aggregate classification.
Comment: This variant is classified as benign based on ACMG/AMP sequence variant interpretation guidelines (Richards et al. 2015 PMID: 25741868, with internal and published modifications).

Dr. Peter K. Rogan Lab, Western University
No classification provided (evidence only). Condition: Familial cancer of breast. Review status: no classification provided. Collection method: in vitro. Allele origin: not applicable. Functional consequence: skipped exon, retained intron. Not counted in ClinVar's aggregate classification.

Dr. Peter K. Rogan Lab, Western University
No classification provided (evidence only). Condition: Familial cancer of breast. Review status: no classification provided. Collection method: in vitro. Allele origin: not applicable. Functional consequence: retained intron. Not counted in ClinVar's aggregate classification.